The following is an entry in ClinVar:

NM_001556.3(IKBKB):c.38G>A (p.Gly13Glu)

Gene: IKBKB (inhibitor of nuclear factor kappa B kinase subunit beta; plus strand). Cytogenetic location: 8p11.21.
Variant type: single nucleotide variant.
Coding change: c.38G>A on transcript NM_001556.3 (MANE Select); coding-DNA position 38, G replaced by A.
Protein change: p.Gly13Glu; replaces glycine 13 with glutamic acid.
Molecular consequence: missense variant. On other transcripts: 5 prime UTR variant (1), non-coding transcript variant (3), intron variant (1).
Genome position (GRCh38, 1-based): chr8:42,272,138, G>A. VCF-style: chr8-42272138-G-A. GRCh37 (hg19) VCF-style: chr8-42129656-G-A.
Other names: c.-45G>A (NM_001242778.2); c.-88+669G>A (NM_001190720.3); short protein forms G13E.
Identifiers: ClinVar variation 2171286 (VCV002171286.1), dbSNP rs2487009900, ClinGen allele CA371088307.

ClinVar aggregate classification (germline): Uncertain significance (1 of 4 stars; one submission).

Conditions:
Severe combined immunodeficiency due to IKK2 deficiency. Also called: IMMUNODEFICIENCY 15B; Immunodeficiency 15. Identifiers: Orphanet 397787, MedGen C4747743, MONDO:0014267, OMIM 615592.

Allele frequency attached by ClinVar (database versions not stated): gnomAD exomes below 0.00001.
gnomAD v4.1: 1 of 1,614,154 alleles (0.000062%); highest among the groups gnomAD compares: Non-Finnish European, 0.000085%; no homozygotes.

Submission:

Labcorp Genetics (formerly Invitae), Labcorp
Classification: Uncertain significance for Severe combined immunodeficiency due to IKK2 deficiency. Last evaluated: 2022-04-12. Review status: criteria provided, single submitter. Criteria: Invitae Variant Classification Sherloc (09022015). Collection method: clinical testing. Allele origin: germline.
Comment: This sequence change replaces glycine, which is neutral and non-polar, with glutamic acid, which is acidic and polar, at codon 13 of the IKBKB protein (p.Gly13Glu). This variant is not present in population databases (gnomAD no frequency). This variant has not been reported in the literature in individuals affected with IKBKB-related conditions. Advanced modeling of protein sequence and biophysical properties (such as structural, functional, and spatial information, amino acid conservation, physicochemical variation, residue mobility, and thermodynamic stability) performed at Invitae indicates that this missense variant is not expected to disrupt IKBKB protein function. In summary, the available evidence is currently insufficient to determine the role of this variant in disease. Therefore, it has been classified as a Variant of Uncertain Significance.